The following is an entry in ClinVar:

ClinVar aggregate classification (germline): Uncertain significance. Review status: criteria provided, multiple submitters, no conflicts (2 of 4 stars). 2 submissions from 2 submitters: Uncertain significance (2). Last evaluated 2025-06-28.

Conditions:
Hereditary cancer-predisposing syndrome. Also called: Tumor predisposition; Hereditary Cancer Syndrome; Hereditary neoplastic syndrome; Neoplastic Syndromes, Hereditary. Identifiers: Orphanet 140162, MedGen C0027672, MeSH D009386, MONDO:0015356.
EGFR-related lung cancer (EGFR). Identifiers: MedGen CN130014.

Submissions (2):

Ambry Genetics
Classification: Uncertain significance for Hereditary cancer-predisposing syndrome. Last evaluated: 2025-06-28. Review status: criteria provided, single submitter. Criteria: Ambry Variant Classification Scheme 2023. Collection method: clinical testing. Allele origin: germline.
Comment: The p.Y471C variant (also known as c.1412A>G), located in coding exon 12 of the EGFR gene, results from an A to G substitution at nucleotide position 1412. The tyrosine at codon 471 is replaced by cysteine, an amino acid with highly dissimilar properties. This amino acid position is conserved. In addition, this alteration is predicted to be deleterious by in silico analysis. Based on the available evidence, the clinical significance of this variant remains unclear.

Labcorp Genetics (formerly Invitae), Labcorp
Classification: Uncertain significance for EGFR-related lung cancer. Last evaluated: 2022-02-03. Review status: criteria provided, single submitter. Criteria: Invitae Variant Classification Sherloc (09022015). Collection method: clinical testing. Allele origin: germline.
Comment: This variant has not been reported in the literature in individuals affected with EGFR-related conditions. This variant is not present in population databases (gnomAD no frequency). This sequence change replaces tyrosine, which is neutral and polar, with cysteine, which is neutral and slightly polar, at codon 471 of the EGFR protein (p.Tyr471Cys). Algorithms developed to predict the effect of missense changes on protein structure and function are either unavailable or do not agree on the potential impact of this missense change (SIFT: "Deleterious"; PolyPhen-2: "Probably Damaging"; Align-GVGD: "Class C0"). In summary, the available evidence is currently insufficient to determine the role of this variant in disease. Therefore, it has been classified as a Variant of Uncertain Significance.

NM_005228.5(EGFR):c.1412A>G (p.Tyr471Cys)

Gene: EGFR (epidermal growth factor receptor; plus strand). Cytogenetic location: 7p11.2.
Variant type: single nucleotide variant.
Coding change: c.1412A>G on transcript NM_005228.5 (MANE Select); coding-DNA position 1412, A replaced by G.
Protein change: p.Tyr471Cys; replaces tyrosine 471 with cysteine.
Molecular consequence: missense variant.
Genome position (GRCh38, 1-based): chr7:55,160,252, A>G. VCF-style: chr7-55160252-A-G. GRCh37 (hg19) VCF-style: chr7-55227945-A-G.
Other names: c.1277A>G, p.Tyr426Cys (NM_001346897.2, NM_001346899.2); c.1412A>G, p.Tyr471Cys (NM_001346898.2, NM_201282.2, NM_201284.2); c.1253A>G, p.Tyr418Cys (NM_001346900.2); c.611A>G, p.Tyr204Cys (NM_001346941.2); short protein forms Y471C, Y418C, Y204C, Y426C.
Identifiers: ClinVar variation 2092468 (VCV002092468.5), dbSNP rs2535548254, ClinGen allele CA367579551.
Genomic context (GRCh38, chr7:55,160,252, plus strand): 5'-GCTCCCTCAAGGAGATAAGTGATGGAGATGTGATAATTTCAGGAAACAAAAATTTGTGCT[A>G]TGCAAATACAATAAACTGGAAAAAACTGTTTGGGACCTCCGGTCAGAAAACCAAAATTAT-3'
Protein context (NP_005219.2, residues 461-481): VIISGNKNLC[Tyr471Cys]ANTINWKKLF